The following is an entry in ClinVar:

NM_017662.5(TRPM6):c.4592G>A (p.Arg1531His)

Gene: TRPM6 (transient receptor potential cation channel subfamily M member 6; minus strand). Cytogenetic location: 9q21.13.
Variant type: single nucleotide variant.
Coding change: c.4592G>A on transcript NM_017662.5 (MANE Select); coding-DNA position 4592, G replaced by A.
Protein change: p.Arg1531His; replaces arginine 1531 with histidine.
Molecular consequence: missense variant.
Genome position (GRCh38, 1-based): chr9:74,762,079, C>T on the plus strand (G>A on the coding strand, the complement: TRPM6 is on the minus strand). VCF-style: chr9-74762079-C-T. GRCh37 (hg19) VCF-style: chr9-77376995-C-T.
Other names: c.4577G>A, p.Arg1526His (NM_001177310.2, NM_001177311.2); short protein forms R1526H, R1531H.
Identifiers: ClinVar variation 3897224 (VCV003897224.1).

ClinVar aggregate classification (germline): Uncertain significance (1 of 4 stars; one submission).

gnomAD v4.1: 64 of 1,614,058 alleles (0.004%); highest among the groups gnomAD compares: Admixed American, 0.0067%; no homozygotes.

Submission:

GeneDx
Classification: Uncertain significance. Last evaluated: 2024-10-29. Review status: criteria provided, single submitter. Criteria: GeneDx Variant Classification Process June 2021. Collection method: clinical testing. Allele origin: germline. Affected: yes.
Comment: In silico analysis indicates that this missense variant does not alter protein structure/function; Has not been previously published as pathogenic or benign to our knowledge